The following is an entry in ClinVar:

NM_005499.3(UBA2):c.512C>T (p.Pro171Leu)

Gene: UBA2 (ubiquitin like modifier activating enzyme 2; plus strand). Cytogenetic location: 19q13.11.
Variant type: single nucleotide variant.
Coding change: c.512C>T on transcript NM_005499.3 (MANE Select); coding-DNA position 512, C replaced by T.
Protein change: p.Pro171Leu; replaces proline 171 with leucine.
Molecular consequence: missense variant.
Genome position (GRCh38, 1-based): chr19:34,438,697, C>T. VCF-style: chr19-34438697-C-T. GRCh37 (hg19) VCF-style: chr19-34929602-C-T.
Other names: short protein forms P171L.
Identifiers: ClinVar variation 1700977 (VCV001700977.3), dbSNP rs2145503822, ClinGen allele CA405254690.
Genomic context (GRCh38, chr19:34,438,697, plus strand): 5'-CTTCATAGGGTGTGACCGAGTGTTATGAGTGTCATCCTAAGCCGACCCAGAGAACCTTTC[C>T]TGGCTGTACAATTCGTAACACACCTTCAGAACCTATACATTGCATCGTTTGGGCAAAGTA-3'
Protein context (NP_005490.1, residues 161-181): CHPKPTQRTF[Pro171Leu]GCTIRNTPSE

ClinVar aggregate classification (germline): Uncertain significance (1 of 4 stars; one submission).

Submission:

GeneDx
Classification: Uncertain significance. Last evaluated: 2025-12-12. Review status: criteria provided, single submitter. Criteria: GeneDx Variant Classification Process June 2021. Collection method: clinical testing. Allele origin: germline. Affected: yes.
Comment: Not observed at significant frequency in large population cohorts (gnomAD); In silico analysis supports that this missense variant has a deleterious effect on protein structure/function; Has not been previously published as pathogenic or benign to our knowledge